The following is an entry in ClinVar:

NC_000011.9:g.(?_103228951)_(103229107_?)del

Gene: DYNC2H1 (dynein cytoplasmic 2 heavy chain 1; plus strand). Cytogenetic location: 11q22.3.
Variant type: Deletion.
Identifiers: ClinVar variation 2423647 (VCV002423647.3).

ClinVar aggregate classification (germline): Uncertain significance (1 of 4 stars; one submission).

Conditions:
Jeune thoracic dystrophy. Also called: Short-rib thoracic dysplasia; Jeune syndrome; Infantile thoracic dystrophy; Thoracic pelvic phalangeal dystrophy; Jeune's syndrome; Chondroectodermal dysplasia-like syndrome. Identifiers: Orphanet 474, MedGen C0265275, MONDO:0018770.

Submission:

Labcorp Genetics (formerly Invitae), Labcorp
Classification: Uncertain significance for Jeune thoracic dystrophy. Last evaluated: 2022-07-03. Review status: criteria provided, single submitter. Criteria: Invitae Variant Classification Sherloc (09022015). Collection method: clinical testing. Allele origin: germline.
Comment: This variant is a gross deletion of the genomic region encompassing exon(s) 84 of the DYNC2H1 gene. This variant would be expected to be in-frame, preserving the integrity of the reading frame. This variant has not been reported in the literature in individuals affected with DYNC2H1-related conditions. Experimental studies and prediction algorithms are not available or were not evaluated, and the functional significance of this variant is currently unknown. In summary, the available evidence is currently insufficient to determine the role of this variant in disease. Therefore, it has been classified as a Variant of Uncertain Significance.